The following is an entry in ClinVar:

ClinVar aggregate classification (germline): Uncertain significance (1 of 4 stars; one submission).

Conditions:
Argininosuccinate lyase deficiency. Also called: ARGININOSUCCINIC ACID LYASE DEFICIENCY; ASL DEFICIENCY; Argininosuccinic aciduria. Identifiers: Orphanet 23, MedGen C0268547, MONDO:0008815, OMIM 207900, HP:0025630.

Allele frequency attached by ClinVar (database versions not stated): TOPMed below 0.00001; gnomAD 0.00001; gnomAD exomes 0.00001 and 0.00002; ExAC 0.00005; 1000 Genomes Project 30x 0.00031.
gnomAD v4.1: 14 of 1,612,530 alleles (0.00087%); highest among the groups gnomAD compares: Non-Finnish European, 0.0012%; no homozygotes.

Submission:

Labcorp Genetics (formerly Invitae), Labcorp
Classification: Uncertain significance for Argininosuccinate lyase deficiency. Last evaluated: 2021-08-13. Review status: criteria provided, single submitter. Criteria: Invitae Variant Classification Sherloc (09022015). Collection method: clinical testing. Allele origin: germline.
Comment: This sequence change replaces tyrosine with cysteine at codon 376 of the ASL protein (p.Tyr376Cys). The tyrosine residue is highly conserved and there is a large physicochemical difference between tyrosine and cysteine. This variant is present in population databases (rs761034915, ExAC 0.009%). This variant has not been reported in the literature in individuals affected with ASL-related conditions. Algorithms developed to predict the effect of missense changes on protein structure and function are either unavailable or do not agree on the potential impact of this missense change (SIFT: "Deleterious"; PolyPhen-2: "Possibly Damaging"; Align-GVGD: "Class C0"). In summary, the available evidence is currently insufficient to determine the role of this variant in disease. Therefore, it has been classified as a Variant of Uncertain Significance.

NM_000048.4(ASL):c.1127A>G (p.Tyr376Cys)

Gene: ASL (argininosuccinate lyase; plus strand). Cytogenetic location: 7q11.21.
Variant type: single nucleotide variant.
Coding change: c.1127A>G on transcript NM_000048.4 (MANE Select); coding-DNA position 1127, A replaced by G.
Protein change: p.Tyr376Cys; replaces tyrosine 376 with cysteine.
Molecular consequence: missense variant.
Genome position (GRCh38, 1-based): chr7:66,092,070, A>G. VCF-style: chr7-66092070-A-G. GRCh37 (hg19) VCF-style: chr7-65557057-A-G.
Other names: c.1127A>G, p.Tyr376Cys (NM_001024943.2); c.1067A>G, p.Tyr356Cys (NM_001024944.2); c.1049A>G, p.Tyr350Cys (NM_001024946.2); short protein forms Y350C, Y376C, Y356C.
Identifiers: ClinVar variation 660027 (VCV000660027.7), dbSNP rs761034915, ClinGen allele CA4277298.